The following is an entry in ClinVar:

NM_000132.4(F8):c.1808G>A (p.Ser603Asn)

Gene: F8 (coagulation factor VIII; minus strand). Cytogenetic location: Xq28.
Variant type: single nucleotide variant.
Coding change: c.1808G>A on transcript NM_000132.4 (MANE Select); coding-DNA position 1808, G replaced by A.
Protein change: p.Ser603Asn; replaces serine 603 with asparagine.
Molecular consequence: missense variant.
Genome position (GRCh38, 1-based): chrX:154,953,987, C>T on the plus strand (G>A on the coding strand, the complement: F8 is on the minus strand). VCF-style: chrX-154953987-C-T. GRCh37 (hg19) VCF-style: chrX-154182262-C-T.
Other names: short protein forms S603N.
Identifiers: ClinVar variation 2428614 (VCV002428614.3), dbSNP rs137852425, ClinGen allele CA414910963.

ClinVar aggregate classification (germline): Likely pathogenic (1 of 4 stars; one submission).

Submission:

ARUP Laboratories, Molecular Genetics and Genomics, ARUP Laboratories
Classification: Likely pathogenic. Last evaluated: 2022-07-05. Review status: criteria provided, single submitter. Criteria: ARUP Molecular Germline Variant Investigation Process 2021. Collection method: clinical testing. Allele origin: germline.
Comment: The F8 c.1808G>A; p.Ser603Asn variant is reported in the literature in multiple individuals affected with mild to moderate hemophilia A (Atik 2020, Villarreal-Martinez 2020). This variant is absent from the Genome Aggregation Database, indicating it is not a common polymorphism. Additionally, other amino acid substitutions at this codon (Cys, Gly, Ile, Thr, Arg) have been reported in individuals with hemophilia A (F8 database, Ahmed, 2005, Green 2008). Based on available information, this variant is considered to be likely pathogenic. References: Link to F8 database: Ahmed RP et al. Identification of 32 novel mutations in the factor VIII gene in Indian patients with hemophilia A. Haematologica. 2005 Feb;90(2):283-4. PMID: 15710596. Atik T et al. Factor 8 Gene Mutation Spectrum of 270 Patients with Hemophilia A: Identification of 36 Novel Mutations. Turk J Haematol. 2020 Aug 28;37(3):145-153. PMID: 32026663. Green PM et al. Haemophilia A mutations in the UK: results of screening one-third of the population. Br J Haematol. 2008 Oct;143(1):115-28. PMID: 18691168. Villarreal-Martínez L et al. Molecular genetic diagnosis by next-generation sequencing in a cohort of Mexican patients with haemophilia and report of novel variants. Blood Cells Mol Dis. 2020 Jul;83:102423. PMID: 32224444.